The following is an entry in ClinVar:

NM_001384140.1(PCDH15):c.2482del (p.Val828fs)

Gene: PCDH15 (protocadherin related 15; minus strand). Cytogenetic location: 10q21.1.
Variant type: Deletion.
Coding change: c.2482del on transcript NM_001384140.1 (MANE Select); coding-DNA position 2482, one base deleted (G; older notation c.2482delG).
Protein change: p.Val828fs; shifts the reading frame from valine 828.
Molecular consequence: frameshift variant.
Genome position (GRCh38, 1-based): chr10:54,022,936, C deleted on the plus strand (G on the coding strand, the reverse complement: PCDH15 is on the minus strand). VCF-style (leftmost placement, unchanged base first): chr10-54022935-AC-A. GRCh37 (hg19) VCF-style: chr10-55782695-AC-A.
Other names: c.2497del, p.Val833fs (NM_001142763.2, NM_001142771.2); c.2482del, p.Val828fs (NM_001142764.2, NM_001142766.2, NM_001142770.3 and 5 more transcripts); c.2269del, p.Val757fs (NM_001142765.2); c.2371del, p.Val791fs (NM_001142767.2); c.2416del, p.Val806fs (NM_001142768.2, NM_001142773.2, NM_001354404.2); c.2518delG, p.Val840Leufs (NM_001142769.4); c.2503del, p.Val835fs (NM_001354411.2); short protein forms V757fs, V791fs, V806fs, V828fs, V833fs, V835fs, V840fs.
Identifiers: ClinVar variation 5016058 (VCV005016058.1).

ClinVar aggregate classification (germline): Pathogenic (1 of 4 stars; one submission).

Conditions:
Usher syndrome type 1F (USH1F). Also called: USHER SYNDROME, TYPE IF. Identifiers: Orphanet 231169, Orphanet 886, MedGen C1865885, MONDO:0011186, OMIM 602083.

Submission:

Myriad Genetics, Inc.
Classification: Pathogenic for Usher syndrome type 1F. Last evaluated: 2026-06-20. Review status: criteria provided, single submitter. Criteria: Myriad Autosomal Dominant, Autosomal Recessive and X-Linked Classification Criteria (2023). Collection method: clinical testing. Allele origin: unknown.
Comment: NM_033056.3(PCDH15):c.2482delG(V828Lfs*14) is expected to be pathogenic in the context of PCDH15-related disorders. This variant is predicted to lead to an abnormal or absent protein product due to the creation of a premature termination codon in PCDH15, a gene where loss-of-function variants are known to be pathogenic. Please note: this variant was assessed in the context of healthy population screening.